The following is an entry in ClinVar:

NM_031407.7(HUWE1):c.446C>T (p.Thr149Ile)

Gene: HUWE1 (HECT, UBA and WWE domain containing E3 ubiquitin protein ligase 1; minus strand). Cytogenetic location: Xp11.22.
Variant type: single nucleotide variant.
Coding change: c.446C>T on transcript NM_031407.7 (MANE Select); coding-DNA position 446, C replaced by T.
Protein change: p.Thr149Ile; replaces threonine 149 with isoleucine.
Molecular consequence: missense variant.
Genome position (GRCh38, 1-based): chrX:53,645,369, G>A on the plus strand (C>T on the coding strand, the complement: HUWE1 is on the minus strand). VCF-style: chrX-53645369-G-A. GRCh37 (hg19) VCF-style: chrX-53672321-G-A.
Other names: short protein forms T149I.
Identifiers: ClinVar variation 2660636 (VCV002660636.24), dbSNP rs2528788409, ClinGen allele CA413163772.

ClinVar aggregate classification (germline): Uncertain significance (1 of 4 stars; one submission).

Submission:

CeGaT Center for Human Genetics Tuebingen
Classification: Uncertain significance. Last evaluated: 2024-11-01. Review status: criteria provided, single submitter. Criteria: CeGaT Center For Human Genetics Tuebingen Variant Classification Criteria Version 2. Collection method: clinical testing. Allele origin: germline. Affected: yes. Observed: 1 variant allele.
Comment: HUWE1: PM2